The following is an entry in ClinVar:

ClinVar aggregate classification (germline): Uncertain significance (1 of 4 stars; one submission).

Conditions:
Genitopatellar syndrome (GTPTS). Also called: Genitopatellar syndrome (GPS); ABSENT PATELLAE, SCROTAL HYPOPLASIA, RENAL ANOMALIES, FACIAL DYSMORPHISM, AND MENTAL RETARDATION. Identifiers: Orphanet 85201, MedGen C1853566, MONDO:0011640, OMIM 606170.

Submission:

Labcorp Genetics (formerly Invitae), Labcorp
Classification: Uncertain significance for Genitopatellar syndrome. Last evaluated: 2024-11-11. Review status: criteria provided, single submitter. Criteria: Invitae Variant Classification Sherloc (09022015). Collection method: clinical testing. Allele origin: germline.
Comment: This variant, c.3304_3312del, results in the deletion of 3 amino acid(s) of the KAT6B protein (p.Glu1102_Glu1104del), but otherwise preserves the integrity of the reading frame. The frequency data for this variant in the population databases is considered unreliable, as metrics indicate poor data quality at this position in the gnomAD database. This variant has not been reported in the literature in individuals affected with KAT6B-related conditions. Experimental studies and prediction algorithms are not available or were not evaluated, and the functional significance of this variant is currently unknown. In summary, the available evidence is currently insufficient to determine the role of this variant in disease. Therefore, it has been classified as a Variant of Uncertain Significance.

NM_012330.4(KAT6B):c.3289GAA[5] (p.Glu1102_Glu1104del)

Gene: KAT6B (lysine acetyltransferase 6B; plus strand). Cytogenetic location: 10q22.2.
Variant type: Microsatellite.
Coding change: c.3289GAA[5] on transcript NM_012330.4 (MANE Select); five copies in a row of the 3-base unit GAA starting at c.3289; the reference has eight copies in a row; three copies, 9 bases deleted.
Protein change: p.Glu1102_Glu1104del.
Molecular consequence: inframe deletion.
Genome position (GRCh38, 1-based): chr10:75,022,163-75,022,171, GAAGAAGAA deleted; deleting any 9 consecutive bases within chr10:75,022,148-75,022,171 gives the same sequence; the position shown is the placement nearest the transcript's 3' end. VCF-style (leftmost placement, unchanged base first): chr10-75022147-GGAAGAAGAA-G. GRCh37 (hg19) VCF-style: chr10-76781905-GGAAGAAGAA-G.
Other names: c.2740GAA[5], p.Glu919_Glu921del (NM_001256468.2, NM_001370138.1); c.2413GAA[5], p.Glu810_Glu812del (NM_001256469.2, NM_001370139.1, NM_001370140.1 and 2 more transcripts); c.2251GAA[5], p.Glu756_Glu758del (NM_001370132.1); c.1600GAA[5], p.Glu539_Glu541del (NM_001370133.1); c.1204GAA[5], p.Glu407_Glu409del (NM_001370134.1); c.946GAA[5], p.Glu321_Glu323del (NM_001370135.1); c.3289GAA[5], p.Glu1102_Glu1104del (NM_001370136.1, NM_001370137.1); c.2224GAA[5], p.Glu747_Glu749del (NM_001370143.1, NM_001370144.1).
Identifiers: ClinVar variation 1398721 (VCV001398721.8), dbSNP rs71929101, ClinGen allele CA5564787.